The following is an entry in ClinVar:

NM_172107.4(KCNQ2):c.2369T>C (p.Ile790Thr)

Gene: KCNQ2 (potassium voltage-gated channel subfamily Q member 2; minus strand). Cytogenetic location: 20q13.33.
Variant type: single nucleotide variant.
Coding change: c.2369T>C on transcript NM_172107.4 (MANE Select); coding-DNA position 2369, T replaced by C.
Protein change: p.Ile790Thr; replaces isoleucine 790 with threonine.
Molecular consequence: missense variant.
Genome position (GRCh38, 1-based): chr20:63,406,894, A>G on the plus strand (T>C on the coding strand, the complement: KCNQ2 is on the minus strand). VCF-style: chr20-63406894-A-G. GRCh37 (hg19) VCF-style: chr20-62038247-A-G.
Other names: c.2423T>C, p.Ile808Thr (NM_001382235.1); c.2285T>C, p.Ile762Thr (NM_004518.6); c.2315T>C, p.Ile772Thr (NM_172106.3); c.2276T>C, p.Ile759Thr (NM_172108.5); short protein forms I759T, I762T, I772T, I790T, I808T.
Identifiers: ClinVar variation 1304987 (VCV001304987.2), dbSNP rs2145483858, ClinGen allele CA409637458.

ClinVar aggregate classification (germline): Uncertain significance (1 of 4 stars; one submission).

Allele frequency attached by ClinVar (database versions not stated): gnomAD exomes below 0.00001.
gnomAD v4.1: 1 of 1,611,566 alleles (0.000062%); highest among the groups gnomAD compares: Non-Finnish European, 0.000085%; no homozygotes.

Submission:

GeneDx
Classification: Uncertain significance. Last evaluated: 2019-04-08. Review status: criteria provided, single submitter. Criteria: GeneDx Variant Classification Process June 2021. Collection method: clinical testing. Allele origin: germline. Affected: yes.
Comment: Not observed in large population cohorts (Lek et al., 2016); The majority of missense variants in this gene are considered pathogenic (Stenson et al., 2014); In silico analysis, which includes protein predictors and evolutionary conservation, supports that this variant does not alter protein structure/function; Has not been previously published as pathogenic or benign to our knowledge; This substitution is predicted to be within the C-terminal cytoplasmic domain